The following is an entry in ClinVar:

NM_017797.4(BTBD2):c.753C>T (p.Asp251=)

Gene: BTBD2 (BTB domain containing 2; minus strand). Cytogenetic location: 19p13.3.
Variant type: single nucleotide variant.
Coding change: c.753C>T on transcript NM_017797.4 (MANE Select); coding-DNA position 753, C replaced by T.
Protein change: p.Asp251=; no amino-acid change (aspartic acid 251 retained).
Molecular consequence: synonymous variant.
Genome position (GRCh38, 1-based): chr19:1,990,754, G>A on the plus strand (C>T on the coding strand, the complement: BTBD2 is on the minus strand). VCF-style: chr19-1990754-G-A. GRCh37 (hg19) VCF-style: chr19-1990753-G-A.
Identifiers: ClinVar variation 2648954 (VCV002648954.24), dbSNP rs146922665, ClinGen allele CA9056361.

ClinVar aggregate classification (germline): Likely benign (1 of 4 stars; one submission).

Allele frequency attached by ClinVar (database versions not stated): 1000 Genomes Project 30x 0.00016; 1000 Genomes Project 0.00020; gnomAD 0.00070; ESP Exome Variant Server 0.00077; gnomAD exomes 0.00092; TOPMed 0.00113; ExAC 0.00139.
gnomAD v4.1: 1,452 of 1,603,134 alleles (0.091%); highest among the groups gnomAD compares: Middle Eastern, 0.33%; 3 homozygotes.

Submission:

CeGaT Center for Human Genetics Tuebingen
Classification: Likely benign. Last evaluated: 2023-03-01. Review status: criteria provided, single submitter. Criteria: CeGaT Center For Human Genetics Tuebingen Variant Classification Criteria Version 2. Collection method: clinical testing. Allele origin: germline. Affected: yes. Observed: 1 variant allele.
Comment: BTBD2: BP4, BP7